The following is an entry in ClinVar:

ClinVar aggregate classification (germline): Uncertain significance. Review status: criteria provided, multiple submitters, no conflicts (2 of 4 stars). 6 submissions from 6 submitters: Uncertain significance (6). Last evaluated 2023-08-04.

Conditions:
Microcephaly 5, primary, autosomal recessive (MCPH5). Also called: ASPM Primary Microcephaly. Identifiers: Orphanet 2512, MedGen C1837501, MONDO:0012106, OMIM 608716.

Allele frequency attached by ClinVar (database versions not stated): 1000 Genomes Project 0.00040; TOPMed 0.00041; 1000 Genomes Project 30x 0.00047; gnomAD 0.00054; ESP Exome Variant Server 0.00077.
gnomAD v4.1: 128 of 1,600,296 alleles (0.008%); highest among the groups gnomAD compares: African/African-American, 0.16%; no homozygotes.

Submissions (6):

Labcorp Genetics (formerly Invitae), Labcorp
Classification: Uncertain significance. Last evaluated: 2023-08-04. Review status: criteria provided, single submitter. Criteria: Invitae Variant Classification Sherloc (09022015). Collection method: clinical testing. Allele origin: germline.
Comment: Advanced modeling of protein sequence and biophysical properties (such as structural, functional, and spatial information, amino acid conservation, physicochemical variation, residue mobility, and thermodynamic stability) performed at Invitae indicates that this missense variant is not expected to disrupt ASPM protein function. In summary, the available evidence is currently insufficient to determine the role of this variant in disease. Therefore, it has been classified as a Variant of Uncertain Significance. ClinVar contains an entry for this variant (Variation ID: 157823). This sequence change replaces arginine, which is basic and polar, with leucine, which is neutral and non-polar, at codon 1499 of the ASPM protein (p.Arg1499Leu). This variant is present in population databases (rs140119882, gnomAD 0.2%). This missense change has been observed in individual(s) with clinical features of ASPM-related conditions (PMID: 23611254).

Genome-Nilou Lab
Classification: Uncertain significance for Microcephaly 5, primary, autosomal recessive. Last evaluated: 2023-04-11. Review status: criteria provided, single submitter. Criteria: ACMG Guidelines, 2015. Collection method: clinical testing. Allele origin: germline. Affected: no.

GeneDx
Classification: Uncertain significance. Last evaluated: 2022-12-07. Review status: criteria provided, single submitter. Criteria: GeneDx Variant Classification Process June 2021. Collection method: clinical testing. Allele origin: germline. Affected: yes.
Comment: In silico analysis supports that this missense variant has a deleterious effect on protein structure/function; Missense variant in a gene in which most reported pathogenic variants are truncating/loss of function; Has not been previously published as pathogenic or benign to our knowledge

Fulgent Genetics
Classification: Uncertain significance for Microcephaly 5, primary, autosomal recessive. Last evaluated: 2017-05-23. Review status: criteria provided, single submitter. Criteria: ACMG Guidelines, 2015. Collection method: clinical testing. Allele origin: unknown.

Eurofins Ntd Llc (ga)
Classification: Uncertain significance. Last evaluated: 2015-04-23. Review status: criteria provided, single submitter. Criteria: EGL Classification Definitions 2015. Collection method: clinical testing. Allele origin: germline. Observed: 1 variant allele, 1 heterozygote.

Genetic Services Laboratory, University of Chicago
Classification: Uncertain significance for Microcephaly 5, primary, autosomal recessive. Last evaluated: 2013-02-08. Review status: criteria provided, single submitter. Criteria: ACMG Guidelines, 2007. Collection method: clinical testing. Allele origin: germline. Inheritance: Autosomal recessive inheritance.

Literature cited by the submitters: PubMed 23611254 (cited by Labcorp Genetics (formerly Invitae), Labcorp).

NM_018136.5(ASPM):c.4496G>T (p.Arg1499Leu)

Gene: ASPM (assembly factor for spindle microtubules; minus strand). Cytogenetic location: 1q31.3.
Variant type: single nucleotide variant.
Coding change: c.4496G>T on transcript NM_018136.5 (MANE Select); coding-DNA position 4496, G replaced by T.
Protein change: p.Arg1499Leu; replaces arginine 1499 with leucine.
Molecular consequence: missense variant. On other transcripts: intron variant (1).
Genome position (GRCh38, 1-based): chr1:197,104,755, C>A on the plus strand (G>T on the coding strand, the complement: ASPM is on the minus strand). VCF-style: chr1-197104755-C-A. GRCh37 (hg19) VCF-style: chr1-197073885-C-A.
Other names: c.4066-8591G>T (NM_001206846.2); short protein forms R1499L.
Identifiers: ClinVar variation 157823 (VCV000157823.18), dbSNP rs140119882, ClinGen allele CA241072.